The following is an entry in ClinVar:

NM_015073.3(SIPA1L3):c.4528_4530del (p.Ile1510del)

Gene: SIPA1L3 (signal induced proliferation associated 1 like 3; plus strand). Cytogenetic location: 19q13.13.
Variant type: Deletion.
Coding change: c.4528_4530del on transcript NM_015073.3 (MANE Select); coding-DNA positions 4528 to 4530, 3 bases deleted (ATC; older notation c.4528_4530delATC).
Protein change: p.Ile1510del; deletes isoleucine 1510.
Molecular consequence: inframe deletion.
Genome position (GRCh38, 1-based): chr19:38,192,242-38,192,244, ATC deleted; deleting any 3 consecutive bases within chr19:38,192,241-38,192,244 gives the same sequence; the c. name uses the placement nearest the transcript's 3' end. VCF-style (leftmost placement, unchanged base first): chr19-38192240-CCAT-C. GRCh37 (hg19) VCF-style: chr19-38682880-CCAT-C.
Other names: short protein forms I1510del.
Identifiers: ClinVar variation 1879435 (VCV001879435.29), dbSNP rs2513846182, ClinGen allele CA2580096912.
Genomic context (GRCh38, chr19:38,192,240, plus strand): 5'-AACCGAGGTTGAGGGCATCCCTCCGAGACCTCCGGTCACCACGGAAGAACTACAAATCCA[CCAT>C]CGAGGATGACCTGAAGAAACTCATCATCATGGACAACCTGGGGCCAGAGCAGGAGAGAGA-3'

ClinVar aggregate classification (germline): Uncertain significance (1 of 4 stars; one submission).

Submission:

CeGaT Center for Human Genetics Tuebingen
Classification: Uncertain significance. Last evaluated: 2022-10-01. Review status: criteria provided, single submitter. Criteria: CeGaT Center For Human Genetics Tuebingen Variant Classification Criteria Version 2. Collection method: clinical testing. Allele origin: germline. Affected: yes. Observed: 1 variant allele.
Comment: SIPA1L3: PM2, PM4:Supporting